The following is an entry in ClinVar:

NM_182961.4(SYNE1):c.20092C>A (p.Gln6698Lys)

Gene: SYNE1 (spectrin repeat containing nuclear envelope protein 1; minus strand). Cytogenetic location: 6q25.2.
Variant type: single nucleotide variant.
Coding change: c.20092C>A on transcript NM_182961.4 (MANE Select); coding-DNA position 20092, C replaced by A.
Protein change: p.Gln6698Lys; replaces glutamine 6698 with lysine.
Molecular consequence: missense variant.
Genome position (GRCh38, 1-based): chr6:152,236,924, G>T on the plus strand (C>A on the coding strand, the complement: SYNE1 is on the minus strand). VCF-style: chr6-152236924-G-T. GRCh37 (hg19) VCF-style: chr6-152558059-G-T.
Other names: c.19879C>A, p.Gln6627Lys (NM_033071.5); short protein forms Q6627K, Q6698K.
Identifiers: ClinVar variation 3748264 (VCV003748264.2).

ClinVar aggregate classification (germline): Uncertain significance (1 of 4 stars; one submission).

Conditions:
Emery-Dreifuss muscular dystrophy 4, autosomal dominant (EDMD4). Also called: EMERY-DREIFUSS MUSCULAR DYSTROPHY 4 WITH VARIABLE FEATURES. Identifiers: Orphanet 261, MedGen C2751807, MONDO:0013071, OMIM 612998.
Autosomal recessive ataxia, Beauce type. Also called: Spinocerebellar ataxia, autosomal recessive 8; ATAXIA, RECESSIVE, OF BEAUCE; SYNE1-Related Autosomal Recessive Cerebellar Ataxia; SYNE1 Deficiency. Identifiers: Orphanet 88644, MedGen C1853116, MONDO:0012549, OMIM 610743.

gnomAD v4.1: 5 of 1,614,056 alleles (0.00031%); highest among the groups gnomAD compares: Non-Finnish European, 0.00034%; no homozygotes.

Submission:

Labcorp Genetics (formerly Invitae), Labcorp
Classification: Uncertain significance for Emery-Dreifuss muscular dystrophy 4, autosomal dominant; Autosomal recessive ataxia, Beauce type. Last evaluated: 2024-02-28. Review status: criteria provided, single submitter. Criteria: Invitae Variant Classification Sherloc (09022015). Collection method: clinical testing. Allele origin: germline.
Comment: This sequence change replaces glutamine, which is neutral and polar, with lysine, which is basic and polar, at codon 6627 of the SYNE1 protein (p.Gln6627Lys). The frequency data for this variant in the population databases is considered unreliable, as metrics indicate poor data quality at this position in the gnomAD database. This variant has not been reported in the literature in individuals affected with SYNE1-related conditions. An algorithm developed to predict the effect of missense changes on protein structure and function (PolyPhen-2) suggests that this variant is likely to be tolerated. In summary, the available evidence is currently insufficient to determine the role of this variant in disease. Therefore, it has been classified as a Variant of Uncertain Significance.